The following is an entry in ClinVar:

NM_003482.4(KMT2D):c.16499G>C (p.Arg5500Pro)

Gene: KMT2D (lysine methyltransferase 2D; minus strand). Cytogenetic location: 12q13.12.
Variant type: single nucleotide variant.
Coding change: c.16499G>C on transcript NM_003482.4 (MANE Select); coding-DNA position 16499, G replaced by C.
Protein change: p.Arg5500Pro; replaces arginine 5500 with proline.
Molecular consequence: missense variant.
Genome position (GRCh38, 1-based): chr12:49,022,065, C>G on the plus strand (G>C on the coding strand, the complement: KMT2D is on the minus strand). VCF-style: chr12-49022065-C-G. GRCh37 (hg19) VCF-style: chr12-49415848-C-G.
Other names: short protein forms R5500P.
Identifiers: ClinVar variation 4532554 (VCV004532554.1).
Genomic context (GRCh38, chr12:49,022,065, plus strand): 5'-GAGCTGCTTTGTCACTCAGTCAGGATACTTCCTCTCACCTCCTCTCCTTTGGGGATTCGC[C>G]GGCTGGAGATGATGATGATTTTGTCCTCTTTGTCAAATGTCACGACTTCGGCCACACAGT-3'
Protein context (NP_003473.3, residues 5490-5510): KEDKIIIISS[Arg5500Pro]RIPKGEELTY

ClinVar aggregate classification (germline): Uncertain significance (1 of 4 stars; one submission).

Submission:

GeneDx
Classification: Uncertain significance. Last evaluated: 2025-05-25. Review status: criteria provided, single submitter. Criteria: GeneDx Variant Classification Process June 2021. Collection method: clinical testing. Allele origin: germline. Affected: yes.
Comment: Not observed at significant frequency in large population cohorts (gnomAD); In silico analysis supports that this missense variant has a deleterious effect on protein structure/function; Has not been previously published as pathogenic or benign to our knowledge